The following is an entry in ClinVar:

NM_000057.4(BLM):c.1717A>C (p.Asn573His)

Gene: BLM (BLM RecQ like helicase; plus strand). Cytogenetic location: 15q26.1.
Variant type: single nucleotide variant.
Coding change: c.1717A>C on transcript NM_000057.4 (MANE Select); coding-DNA position 1717, A replaced by C.
Protein change: p.Asn573His; replaces asparagine 573 with histidine.
Molecular consequence: missense variant.
Genome position (GRCh38, 1-based): chr15:90,761,090, A>C. VCF-style: chr15-90761090-A-C. GRCh37 (hg19) VCF-style: chr15-91304320-A-C.
Other names: c.1717A>C, p.Asn573His (NM_001287246.2, NM_001287247.2); c.592A>C, p.Asn198His (NM_001287248.2); short protein forms N198H, N573H.
Identifiers: ClinVar variation 2005203 (VCV002005203.4), dbSNP rs2505428346, ClinGen allele CA393843694.
Genomic context (GRCh38, chr15:90,761,090, plus strand): 5'-ATTGATAATTTTGACATAGATGACTTTGATGATGATGATGACTGGGAAGACATAATGCAT[A>C]ATTTAGCAGCCAGCAAATCTTCCACAGCTGCCTATCAACCCATCAAGGAAGGTCGGCCAA-3'
Protein context (NP_000048.1, residues 563-583): DDDDWEDIMH[Asn573His]LAASKSSTAA

ClinVar aggregate classification (germline): Uncertain significance (1 of 4 stars; one submission).

Conditions:
Bloom syndrome (BLM). Also called: Bloom-Torre-Machacek syndrome. Identifiers: Orphanet 125, MedGen C0005859, MONDO:0008876, OMIM 210900.

Submission:

Labcorp Genetics (formerly Invitae), Labcorp
Classification: Uncertain significance for Bloom syndrome. Last evaluated: 2023-01-14. Review status: criteria provided, single submitter. Criteria: Invitae Variant Classification Sherloc (09022015). Collection method: clinical testing. Allele origin: germline.
Comment: In summary, the available evidence is currently insufficient to determine the role of this variant in disease. Therefore, it has been classified as a Variant of Uncertain Significance. Advanced modeling of protein sequence and biophysical properties (such as structural, functional, and spatial information, amino acid conservation, physicochemical variation, residue mobility, and thermodynamic stability) performed at Invitae indicates that this missense variant is not expected to disrupt BLM protein function. This variant has not been reported in the literature in individuals affected with BLM-related conditions. This variant is not present in population databases (gnomAD no frequency). This sequence change replaces asparagine, which is neutral and polar, with histidine, which is basic and polar, at codon 573 of the BLM protein (p.Asn573His).